The following is an entry in ClinVar:

ClinVar aggregate classification (germline): Uncertain significance (1 of 4 stars; one submission).

Conditions:
Kleefstra syndrome 1 (KLEFS1). Identifiers: Orphanet 261494, MedGen C0795833, MONDO:0027407, OMIM 610253.

Allele frequency attached by ClinVar (database versions not stated): gnomAD exomes below 0.00001.
gnomAD v4.1: 1 of 1,596,902 alleles (0.000063%); highest among the groups gnomAD compares: Non-Finnish European, 0.000085%; no homozygotes.

Submission:

Labcorp Genetics (formerly Invitae), Labcorp
Classification: Uncertain significance for Kleefstra syndrome 1. Last evaluated: 2022-09-16. Review status: criteria provided, single submitter. Criteria: Invitae Variant Classification Sherloc (09022015). Collection method: clinical testing. Allele origin: germline.
Comment: In summary, the available evidence is currently insufficient to determine the role of this variant in disease. Therefore, it has been classified as a Variant of Uncertain Significance. This sequence change replaces lysine, which is basic and polar, with asparagine, which is neutral and polar, at codon 22 of the EHMT1 protein (p.Lys22Asn). This variant is not present in population databases (gnomAD no frequency). This variant has not been reported in the literature in individuals affected with EHMT1-related conditions. Algorithms developed to predict the effect of missense changes on protein structure and function are either unavailable or do not agree on the potential impact of this missense change (SIFT: "Deleterious"; PolyPhen-2: "Benign"; Align-GVGD: "Class C0").

NM_024757.5(EHMT1):c.66A>T (p.Lys22Asn)

Gene: EHMT1 (euchromatic histone lysine methyltransferase 1; plus strand). Cytogenetic location: 9q34.3.
Variant type: single nucleotide variant.
Coding change: c.66A>T on transcript NM_024757.5 (MANE Select); coding-DNA position 66, A replaced by T.
Protein change: p.Lys22Asn; replaces lysine 22 with asparagine.
Molecular consequence: missense variant. On other transcripts: intron variant (2).
Genome position (GRCh38, 1-based): chr9:137,711,011, A>T. VCF-style: chr9-137711011-A-T. GRCh37 (hg19) VCF-style: chr9-140605463-A-T.
Other names: c.66A>T, p.Lys22Asn (NM_001145527.2, NM_001354263.2, NM_001354611.2); c.-8-5615A>T (NM_001354259.2, NM_001354612.2); short protein forms K22N.
Identifiers: ClinVar variation 2021777 (VCV002021777.4), dbSNP rs2540921127, ClinGen allele CA375759679.